The following is an entry in ClinVar:

NM_020937.4(FANCM):c.5158T>G (p.Ser1720Ala)

Gene: FANCM (FA complementation group M; plus strand). Cytogenetic location: 14q21.2.
Variant type: single nucleotide variant.
Coding change: c.5158T>G on transcript NM_020937.4 (MANE Select); coding-DNA position 5158, T replaced by G.
Protein change: p.Ser1720Ala; replaces serine 1720 with alanine.
Molecular consequence: missense variant.
Genome position (GRCh38, 1-based): chr14:45,189,180, T>G. VCF-style: chr14-45189180-T-G. GRCh37 (hg19) VCF-style: chr14-45658383-T-G.
Other names: c.5080T>G, p.Ser1694Ala (NM_001308133.2); short protein forms S1720A, S1694A.
Identifiers: ClinVar variation 4619448 (VCV004619448.1).

ClinVar aggregate classification (germline): Uncertain significance (1 of 4 stars; one submission).

Conditions:
Inborn genetic diseases. Identifiers: MedGen C0950123, MeSH D030342.

Submission:

Ambry Genetics
Classification: Uncertain significance for Inborn genetic diseases. Last evaluated: 2025-09-25. Review status: criteria provided, single submitter. Criteria: Ambry Variant Classification Scheme 2023. Collection method: clinical testing. Allele origin: germline.
Comment: The p.S1720A variant (also known as c.5158T>G), located in coding exon 20 of the FANCM gene, results from a T to G substitution at nucleotide position 5158. The serine at codon 1720 is replaced by alanine, an amino acid with similar properties. This amino acid position is conserved. In addition, this alteration is predicted to be tolerated by in silico analysis. Based on the available evidence, the clinical significance of this variant remains unclear.